The following is an entry in ClinVar:

ClinVar aggregate classification (germline): Uncertain significance (1 of 4 stars; one submission).

Conditions:
Spastic paraplegia. Identifiers: MedGen C0037772, HP:0001258.

Submission:

Labcorp Genetics (formerly Invitae), Labcorp
Classification: Uncertain significance for Spastic paraplegia. Last evaluated: 2022-08-07. Review status: criteria provided, single submitter. Criteria: Invitae Variant Classification Sherloc (09022015). Collection method: clinical testing. Allele origin: germline.
Comment: This variant, c.618_620del, results in the deletion of 1 amino acid(s) of the CYP7B1 protein (p.Asn206del), but otherwise preserves the integrity of the reading frame. This variant is present in population databases (rs755178154, gnomAD 0.01%). This variant has not been reported in the literature in individuals affected with CYP7B1-related conditions. Experimental studies and prediction algorithms are not available or were not evaluated, and the functional significance of this variant is currently unknown. In summary, the available evidence is currently insufficient to determine the role of this variant in disease. Therefore, it has been classified as a Variant of Uncertain Significance.

NM_004820.5(CYP7B1):c.612CAA[2] (p.Asn206del)

Gene: CYP7B1 (cytochrome P450 family 7 subfamily B member 1; minus strand). Cytogenetic location: 8q12.3.
Variant type: Microsatellite.
Coding change: c.612CAA[2] on transcript NM_004820.5 (MANE Select); two copies in a row of the 3-base unit CAA starting at c.612; the reference has three copies in a row; one copy, 3 bases deleted.
Protein change: p.Asn206del; deletes asparagine 206.
Molecular consequence: inframe deletion.
Genome position (GRCh38, 1-based): chr8:64,615,921-64,615,923, TTG deleted on the plus strand (CAA on the coding strand, the reverse complement: CYP7B1 is on the minus strand); deleting any 3 consecutive bases within chr8:64,615,921-64,615,930 gives the same sequence; the position shown is the placement nearest the transcript's 3' end. VCF-style (leftmost placement, unchanged base first): chr8-64615920-TTTG-T. GRCh37 (hg19) VCF-style: chr8-65528477-TTTG-T.
Other names: c.612CAA[2], p.Asn206del (NM_001324112.2); short protein forms N206del.
Identifiers: ClinVar variation 1406914 (VCV001406914.5), dbSNP rs755178154, ClinGen allele CA4764179.
Genomic context (GRCh38, chr8:64,615,920, plus strand): 5'-TACTAAATATGCAAACTTGTCATCAAATTTTAAAAAATCATCTCTTAGCTCACTAATAAA[TTTG>T]TTGTTGTCACAAACAATAACTTTTCCATATATAGTTGTAAATGTGATCTCAAATATTATT-3'